The following is an entry in ClinVar:

ClinVar aggregate classification (germline): Likely benign (0 of 4 stars; one submission).

Conditions:
IRX5-related disorder. Also called: IRX5-related condition.

Allele frequency attached by ClinVar (database versions not stated): gnomAD 0.00001; TOPMed 0.00001.

Submission:

PreventionGenetics, part of Exact Sciences
Classification: Likely benign for IRX5-related condition. Last evaluated: 2019-09-04. Review status: no assertion criteria provided. Collection method: clinical testing. Allele origin: germline.
Comment: This variant is classified as likely benign based on ACMG/AMP sequence variant interpretation guidelines (Richards et al. 2015 PMID: 25741868, with internal and published modifications).

NM_005853.6(IRX5):c.549C>T (p.Asn183=)

Genes: IRX5 (iroquois homeobox 5; plus strand), LOC126862355 (CDK7 strongly-dependent group 2 enhancer GRCh37_chr16:54965529-54966728; plus strand). Cytogenetic location: 16q12.2.
Variant type: single nucleotide variant.
Coding change: c.549C>T on transcript NM_005853.6 (MANE Select); coding-DNA position 549, C replaced by T.
Protein change: p.Asn183=; no amino-acid change (asparagine 183 retained).
Molecular consequence: synonymous variant.
Genome position (GRCh38, 1-based): chr16:54,932,797, C>T. VCF-style: chr16-54932797-C-T. GRCh37 (hg19) VCF-style: chr16-54966709-C-T.
Other names: c.549C>T, p.Asn183= (NM_001252197.1).
Identifiers: ClinVar variation 3053246 (VCV003053246.2), dbSNP rs1963915145, ClinGen allele CA495795188.
Genomic context (GRCh38, chr16:54,932,797, plus strand): 5'-GTTCGCCAACGCGCGCCGGCGCCTCAAGAAAGAGAATAAAATGACGTGGACGCCGCGGAA[C>T]CGCAGCGAGGACGAGGAAGAGGAGGAGAACATTGACCTGGAGAAGAACGACGAGGACGAG-3'
Protein context (NP_005844.4, residues 173-193): KENKMTWTPR[Asn183=]RSEDEEEEEN